The following is an entry in ClinVar:

NM_173628.4(DNAH17):c.6469C>T (p.Leu2157=)

Genes: DNAH17 (dynein axonemal heavy chain 17; minus strand), DNAH17-AS1 (DNAH17 antisense RNA 1; plus strand). Cytogenetic location: 17q25.3.
Variant type: single nucleotide variant.
Coding change: c.6469C>T on transcript NM_173628.4 (MANE Select); coding-DNA position 6469, C replaced by T.
Protein change: p.Leu2157=; no amino-acid change (leucine 2157 retained).
Molecular consequence: synonymous variant.
Genome position (GRCh38, 1-based): chr17:78,492,705, G>A on the plus strand (C>T on the coding strand, the complement: DNAH17 is on the minus strand). VCF-style: chr17-78492705-G-A. GRCh37 (hg19) VCF-style: chr17-76488787-G-A.
Identifiers: ClinVar variation 3041997 (VCV003041997.2), dbSNP rs187467604, ClinGen allele CA8802754.

ClinVar aggregate classification (germline): Likely benign (0 of 4 stars; one submission).

Conditions:
DNAH17-related disorder. Also called: DNAH17-related condition.

Allele frequency attached by ClinVar (database versions not stated): gnomAD exomes 0.00006; ExAC 0.00015; ESP Exome Variant Server 0.00040; gnomAD 0.00058; 1000 Genomes Project 0.00060; 1000 Genomes Project 30x 0.00062; TOPMed 0.00071.

Submission:

PreventionGenetics, part of Exact Sciences
Classification: Likely benign for DNAH17-related condition. Last evaluated: 2021-12-23. Review status: no assertion criteria provided. Collection method: clinical testing. Allele origin: germline.
Comment: This variant is classified as likely benign based on ACMG/AMP sequence variant interpretation guidelines (Richards et al. 2015 PMID: 25741868, with internal and published modifications).